The following is an entry in ClinVar:

NM_005902.4(SMAD3):c.842C>T (p.Ala281Val)

Gene: SMAD3 (SMAD family member 3; plus strand). Cytogenetic location: 15q22.33.
Variant type: single nucleotide variant.
Coding change: c.842C>T on transcript NM_005902.4 (MANE Select); coding-DNA position 842, C replaced by T.
Protein change: p.Ala281Val; replaces alanine 281 with valine.
Molecular consequence: missense variant.
Genome position (GRCh38, 1-based): chr15:67,181,424, C>T. VCF-style: chr15-67181424-C-T. GRCh37 (hg19) VCF-style: chr15-67473762-C-T.
Other names: c.527C>T, p.Ala176Val (NM_001145102.2); c.710C>T, p.Ala237Val (NM_001145103.2); c.257C>T, p.Ala86Val (NM_001145104.2); short protein forms A237V, A86V, A176V, A281V.
Identifiers: ClinVar variation 921065 (VCV000921065.10), dbSNP rs1963053530, ClinGen allele CA392956379.

ClinVar aggregate classification (germline): Uncertain significance. Review status: criteria provided, multiple submitters, no conflicts (2 of 4 stars). 4 submissions from 4 submitters: Uncertain significance (4). Last evaluated 2026-08-29.

Conditions:
Familial thoracic aortic aneurysm and aortic dissection (TAAD). Also called: Thoracic aortic aneurysms and dissections. Identifiers: Orphanet 91387, MedGen C4707243, MONDO:0019625.

Allele frequency attached by ClinVar (database versions not stated): gnomAD exomes below 0.00001.
gnomAD v4.1: 1 of 1,613,908 alleles (0.000062%); highest among the groups gnomAD compares: Non-Finnish European, 0.000085%; no homozygotes.

Submissions (4):

Ambry Genetics
Classification: Uncertain significance for Familial thoracic aortic aneurysm and aortic dissection. Last evaluated: 2026-08-29. Review status: criteria provided, single submitter. Criteria: Ambry Variant Classification Scheme 2023. Collection method: clinical testing. Allele origin: germline.
Comment: The p.A281V variant (also known as c.842C>T), located in coding exon 6 of the SMAD3 gene, results from a C to T substitution at nucleotide position 842. The alanine at codon 281 is replaced by valine, an amino acid with similar properties. This amino acid position is conserved. In addition, the in silico prediction for this alteration is inconclusive. Based on the available evidence, the clinical significance of this variant remains unclear.

Color Diagnostics, LLC DBA Color Health
Classification: Uncertain significance for Familial thoracic aortic aneurysm and aortic dissection. Last evaluated: 2023-12-04. Review status: criteria provided, single submitter. Criteria: ACMG Guidelines, 2015. Collection method: clinical testing. Allele origin: germline.
Comment: This missense variant replaces alanine with valine at codon 281 of the SMAD3 protein. Computational prediction tools and conservation analyses are inconclusive regarding the impact of this variant on protein function. Computational splicing tools suggest that this variant may not impact RNA splicing. To our knowledge, functional assays have not been performed for this variant nor has this variant been reported in individuals affected with cardiovascular disorders in the literature. This variant has not been identified in the general population by the Genome Aggregation Database (gnomAD). Available evidence is insufficient to determine the role of this variant in disease conclusively. Therefore, this variant is classified as a Variant of Uncertain Significance.

Labcorp Genetics (formerly Invitae), Labcorp
Classification: Uncertain significance for Familial thoracic aortic aneurysm and aortic dissection. Last evaluated: 2022-05-27. Review status: criteria provided, single submitter. Criteria: Invitae Variant Classification Sherloc (09022015). Collection method: clinical testing. Allele origin: germline.
Comment: In summary, the available evidence is currently insufficient to determine the role of this variant in disease. Therefore, it has been classified as a Variant of Uncertain Significance. Advanced modeling of protein sequence and biophysical properties (such as structural, functional, and spatial information, amino acid conservation, physicochemical variation, residue mobility, and thermodynamic stability) performed at Invitae indicates that this missense variant is not expected to disrupt SMAD3 protein function. ClinVar contains an entry for this variant (Variation ID: 921065). This variant has not been reported in the literature in individuals affected with SMAD3-related conditions. This variant is not present in population databases (gnomAD no frequency). This sequence change replaces alanine, which is neutral and non-polar, with valine, which is neutral and non-polar, at codon 281 of the SMAD3 protein (p.Ala281Val).

GeneDx
Classification: Uncertain significance. Last evaluated: 2022-04-19. Review status: criteria provided, single submitter. Criteria: GeneDx Variant Classification Process June 2021. Collection method: clinical testing. Allele origin: germline. Affected: yes.
Comment: Not observed at significant frequency in large population cohorts (gnomAD); In silico analysis supports that this missense variant does not alter protein structure/function; Has not been previously published as pathogenic or benign to our knowledge